The following is an entry in ClinVar:

Conditions:
Long QT syndrome 5 (LQT5). Identifiers: Orphanet 101016, Orphanet 768, MedGen C1867904, MONDO:0013372, OMIM 613695.

Submission:

Roden Lab, Vanderbilt University Medical Center
No classification provided (evidence only). Condition: Long QT syndrome 5. Review status: no classification provided. Collection method: in vitro. Allele origin: not applicable. Functional consequence: Effect on ion channel function.
ClinVar note: "not provided" was previously submitted as the classification for the variant. However, the classification appeared to be based only on an observation of functional data so it was converted to no classification on 2025-07-30.

NM_000219.6(KCNE1):c.380C>A (p.Pro127His)

Gene: KCNE1 (potassium voltage-gated channel subfamily E regulatory subunit 1; minus strand). Cytogenetic location: 21q22.12.
Variant type: single nucleotide variant.
Coding change: c.380C>A on transcript NM_000219.6 (MANE Select); coding-DNA position 380, C replaced by A.
Protein change: p.Pro127His; replaces proline 127 with histidine.
Molecular consequence: missense variant.
Genome position (GRCh38, 1-based): chr21:34,449,255, G>T on the plus strand (C>A on the coding strand, the complement: KCNE1 is on the minus strand). VCF-style: chr21-34449255-G-T. GRCh37 (hg19) VCF-style: chr21-35821553-G-T.
Other names: c.380C>A, p.Pro127His (NM_001127668.4, NM_001127669.4, NM_001127670.4 and 4 more transcripts); short protein forms P127H.
Identifiers: ClinVar variation 3373867 (VCV003373867.2).
Genomic context (GRCh38, chr21:34,449,255, plus strand): 5'-AAAATCAGGTTGCCAGGCAGGATGTGTCCAGTTTTAGCCAGTGGTGGGGTTCATGGGGAA[G>T]GCTTCGTCTCAGGAAGGTGTGTGTTGGGTTGTTCTATGGCCAGATGGTTTTCAACGACAT-3'
Protein context (NP_000210.2, residues 117-129): QPNTHLPETK[Pro127His]SP